The following is an entry in ClinVar:

ClinVar aggregate classification (germline): Uncertain significance (1 of 4 stars; one submission).

Conditions:
Early Myoclonic Encephalopathy. Identifiers: MedGen C0270855.

Allele frequency attached by ClinVar (database versions not stated): gnomAD exomes below 0.00001.
gnomAD v4.1: 2 of 1,614,184 alleles (0.00012%); highest among the groups gnomAD compares: Admixed American, 0.0033%; no homozygotes.

Submission:

Labcorp Genetics (formerly Invitae), Labcorp
Classification: Uncertain significance for Early Myoclonic Encephalopathy. Last evaluated: 2020-08-07. Review status: criteria provided, single submitter. Criteria: Invitae Variant Classification Sherloc (09022015). Collection method: clinical testing. Allele origin: germline.
Comment: This variant has not been reported in the literature in individuals with JMJD1C-related conditions. In summary, the available evidence is currently insufficient to determine the role of this variant in disease. Therefore, it has been classified as a Variant of Uncertain Significance. Algorithms developed to predict the effect of missense changes on protein structure and function output the following: SIFT: "Deleterious"; PolyPhen-2: "Benign"; Align-GVGD: "Class C0". The glycine amino acid residue is found in multiple mammalian species, suggesting that this missense change does not adversely affect protein function. These predictions have not been confirmed by published functional studies and their clinical significance is uncertain. This variant is not present in population databases (ExAC no frequency). This sequence change replaces serine with glycine at codon 1497 of the JMJD1C protein (p.Ser1497Gly). The serine residue is moderately conserved and there is a small physicochemical difference between serine and glycine.

NM_032776.3(JMJD1C):c.4489A>G (p.Ser1497Gly)

Gene: JMJD1C (jumonji domain containing 1C; minus strand). Cytogenetic location: 10q21.3.
Variant type: single nucleotide variant.
Coding change: c.4489A>G on transcript NM_032776.3 (MANE Select); coding-DNA position 4489, A replaced by G.
Protein change: p.Ser1497Gly; replaces serine 1497 with glycine.
Molecular consequence: missense variant. On other transcripts: non-coding transcript variant (1).
Genome position (GRCh38, 1-based): chr10:63,207,180, T>C on the plus strand (A>G on the coding strand, the complement: JMJD1C is on the minus strand). VCF-style: chr10-63207180-T-C. GRCh37 (hg19) VCF-style: chr10-64966940-T-C.
Other names: c.3943A>G, p.Ser1315Gly (NM_001318154.2, NM_001282948.2); c.4375A>G, p.Ser1459Gly (NM_001322252.2); c.3832A>G, p.Ser1278Gly (NM_001322254.2, NM_001322258.2); c.3625A>G, p.Ser1209Gly (NM_001318153.2); short protein forms S1278G, S1315G, S1497G, S1209G, S1459G.
Identifiers: ClinVar variation 1044987 (VCV001044987.8), dbSNP rs1407847287, ClinGen allele CA377037269.